The following is an entry in ClinVar:

NM_000053.4(ATP7B):c.3270C>T (p.Tyr1090=)

Gene: ATP7B (ATPase copper transporting beta; minus strand). Cytogenetic location: 13q14.3.
Variant type: single nucleotide variant.
Coding change: c.3270C>T on transcript NM_000053.4 (MANE Select); coding-DNA position 3270, C replaced by T.
Protein change: p.Tyr1090=; no amino-acid change (tyrosine 1090 retained).
Molecular consequence: synonymous variant.
Genome position (GRCh38, 1-based): chr13:51,942,528, G>A on the plus strand (C>T on the coding strand, the complement: ATP7B is on the minus strand). VCF-style: chr13-51942528-G-A. GRCh37 (hg19) VCF-style: chr13-52516664-G-A.
Other names: c.2649C>T, p.Tyr883= (NM_001005918.3); c.2937C>T, p.Tyr979= (NM_001243182.2); c.3036C>T, p.Tyr1012= (NM_001330578.2, NM_001406527.1, NM_001406528.1 and 1 more transcripts); c.3018C>T, p.Tyr1006= (NM_001330579.2, NM_001406531.1, NM_001406532.1); c.3270C>T, p.Tyr1090= (NM_001406511.1, NM_001406512.1, NM_001406526.1); c.3264C>T, p.Tyr1088= (NM_001406513.1); c.3237C>T, p.Tyr1079= (NM_001406514.1); c.3216C>T, p.Tyr1072= (NM_001406515.1, NM_001406516.1); and 19 more.
Identifiers: ClinVar variation 4076745 (VCV004076745.1).

ClinVar aggregate classification (germline): Uncertain significance (1 of 4 stars; one submission).

Submission:

GeneDx
Classification: Uncertain significance. Last evaluated: 2025-02-24. Review status: criteria provided, single submitter. Criteria: GeneDx Variant Classification Process June 2021. Collection method: clinical testing. Allele origin: germline. Affected: yes.
Comment: Not observed at significant frequency in large population cohorts (gnomAD); In silico analysis indicates that this variant does not alter splicing; Has not been previously published as pathogenic or benign to our knowledge